The following is an entry in ClinVar:

NM_001065.4(TNFRSF1A):c.1235C>T (p.Pro412Leu)

Gene: TNFRSF1A (TNF receptor superfamily member 1A; minus strand). Cytogenetic location: 12p13.31.
Variant type: single nucleotide variant.
Coding change: c.1235C>T on transcript NM_001065.4 (MANE Select); coding-DNA position 1235, C replaced by T.
Protein change: p.Pro412Leu; replaces proline 412 with leucine.
Molecular consequence: missense variant. On other transcripts: non-coding transcript variant (1).
Genome position (GRCh38, 1-based): chr12:6,329,445, G>A on the plus strand (C>T on the coding strand, the complement: TNFRSF1A is on the minus strand). VCF-style: chr12-6329445-G-A. GRCh37 (hg19) VCF-style: chr12-6438611-G-A.
Other names: c.911C>T, p.Pro304Leu (NM_001346091.2); c.776C>T, p.Pro259Leu (NM_001346092.2); short protein forms P259L, P304L, P412L.
Identifiers: ClinVar variation 1716353 (VCV001716353.5), dbSNP rs752865275, ClinGen allele CA6405239.
Genomic context (GRCh38, chr12:6,329,445, plus strand): 5'-CCCAGCAGGTCCATGTCGCGGAGCACGCGTCCCAGCAGCTCCAGCGTGGCCTCGCGCCGC[G>A]GCGTGCGCCGCCTCCAGGTCGCCAGCATGCTGTATTGCGCCTCGCGCAGGCAGCGCCCGT-3'
Protein context (NP_001056.1, residues 402-422): SMLATWRRRT[Pro412Leu]RREATLELLG

ClinVar aggregate classification (germline): Uncertain significance (1 of 4 stars; one submission).

Conditions:
TNF receptor-associated periodic fever syndrome (TRAPS) (FPF). Also called: TNF RECEPTOR-ASSOCIATED PERIODIC SYNDROME; TUMOR NECROSIS FACTOR RECEPTOR-ASSOCIATED PERIODIC SYNDROME; TNF Receptor-Associated Periodic Fever Syndrome; Autosomal Dominant Familial Periodic Fever; FAMILIAL HIBERNIAN FEVER; TNF receptor 1-associated periodic fever syndrome. Identifiers: Orphanet 32960, MedGen C1275126, MONDO:0007727, OMIM 142680.

Allele frequency attached by ClinVar (database versions not stated): gnomAD exomes 0.00001; ExAC 0.00004.
gnomAD v4.1: 7 of 1,587,416 alleles (0.00044%); highest among the groups gnomAD compares: South Asian, 0.0033%; no homozygotes.

Submission:

Labcorp Genetics (formerly Invitae), Labcorp
Classification: Uncertain significance for TNF receptor-associated periodic fever syndrome (TRAPS). Last evaluated: 2022-08-13. Review status: criteria provided, single submitter. Criteria: Invitae Variant Classification Sherloc (09022015). Collection method: clinical testing. Allele origin: germline.
Comment: In summary, the available evidence is currently insufficient to determine the role of this variant in disease. Therefore, it has been classified as a Variant of Uncertain Significance. Algorithms developed to predict the effect of missense changes on protein structure and function are either unavailable or do not agree on the potential impact of this missense change (SIFT: "Tolerated"; PolyPhen-2: "Probably Damaging"; Align-GVGD: "Class C0"). This variant has not been reported in the literature in individuals affected with TNFRSF1A-related conditions. This variant is present in population databases (rs752865275, gnomAD 0.007%). This sequence change replaces proline, which is neutral and non-polar, with leucine, which is neutral and non-polar, at codon 412 of the TNFRSF1A protein (p.Pro412Leu).